The following is an entry in ClinVar:

ClinVar aggregate classification (germline): Conflicting classifications of pathogenicity. Review status: criteria provided, conflicting classifications (1 of 4 stars). 3 submissions from 3 submitters: Uncertain significance (2); Likely benign (1). Last evaluated 2026-05-26.

Conditions:
Choanal atresia-athelia-hypothyroidism-delayed puberty-short stature syndrome (BCAHH). Also called: BRANCHIAL ARCH ABNORMALITIES, CHOANAL ATRESIA, ATHELIA, HEARING LOSS, AND HYPOTHYROIDISM SYNDROME. Identifiers: Orphanet 589856, MedGen C5680310, MONDO:0035651, OMIM 620186.
Kabuki syndrome 1 (KABUK1). Also called: KMT2D-Related Kabuki Syndrome. Identifiers: Orphanet 2322, MedGen CN030661, MONDO:0007843, OMIM 147920.
Kabuki syndrome. Also called: Kabuki make-up syndrome; NIIKAWA-KUROKI SYNDROME. Identifiers: Orphanet 2322, MedGen C0796004, MONDO:0016512.
KMT2D-related disorder. Also called: KMT2D-Related Disorders.

Allele frequency attached by ClinVar (database versions not stated): gnomAD exomes 0.00001; TOPMed 0.00001; gnomAD 0.00003.
gnomAD v4.1: 20 of 1,613,530 alleles (0.0012%); highest among the groups gnomAD compares: African/African-American, 0.004%; no homozygotes.

Submissions (3):

PreventionGenetics, part of Exact Sciences
Classification: Uncertain significance for KMT2D-related condition. Last evaluated: 2026-05-26. Review status: criteria provided, single submitter. Criteria: ACMG Guidelines, 2015. Collection method: clinical testing. Allele origin: germline.
Comment: The KMT2D c.14555C>T variant is predicted to result in the amino acid substitution p.Thr4852Ile. To our knowledge, this variant has not been reported in the literature. This variant is reported in 0.012% of alleles in individuals of African descent in gnomAD. At this time, the clinical significance of this variant is uncertain due to the absence of conclusive functional and genetic evidence.

Fulgent Genetics
Classification: Uncertain significance for Kabuki syndrome 1; Choanal atresia-athelia-hypothyroidism-delayed puberty-short stature syndrome. Last evaluated: 2024-04-21. Review status: criteria provided, single submitter. Criteria: ACMG Guidelines, 2015. Collection method: clinical testing. Allele origin: germline.

Labcorp Genetics (formerly Invitae), Labcorp
Classification: Likely benign for Kabuki syndrome. Last evaluated: 2021-10-28. Review status: criteria provided, single submitter. Criteria: Invitae Variant Classification Sherloc (09022015). Collection method: clinical testing. Allele origin: germline.

NM_003482.4(KMT2D):c.14555C>T (p.Thr4852Ile)

Gene: KMT2D (lysine methyltransferase 2D; minus strand). Cytogenetic location: 12q13.12.
Variant type: single nucleotide variant.
Coding change: c.14555C>T on transcript NM_003482.4 (MANE Select); coding-DNA position 14555, C replaced by T.
Protein change: p.Thr4852Ile; replaces threonine 4852 with isoleucine.
Molecular consequence: missense variant.
Genome position (GRCh38, 1-based): chr12:49,027,891, G>A on the plus strand (C>T on the coding strand, the complement: KMT2D is on the minus strand). VCF-style: chr12-49027891-G-A. GRCh37 (hg19) VCF-style: chr12-49421674-G-A.
Other names: c.14555C>T (NM_003482.3); short protein forms T4852I.
Identifiers: ClinVar variation 1588015 (VCV001588015.10), dbSNP rs201597771, ClinGen allele CA236634470.
Genomic context (GRCh38, chr12:49,027,891, plus strand): 5'-TGGCTCTTCAGGGTATAGCCAGGCAACACTGCATCAAACTGCTTCAGCCAATCAGGGCCA[G>A]TGTCTGGGCTCTTGCCTTCCAGACCCTTTTCCTTCCCACCTGCAGAAAGGAGTGGATCAG-3'
Protein context (NP_003473.3, residues 4842-4862): EKGLEGKSPD[Thr4852Ile]GPDWLKQFDA